The following is an entry in ClinVar:

ClinVar aggregate classification (germline): Uncertain significance. Review status: criteria provided, multiple submitters, no conflicts (2 of 4 stars). 4 submissions from 4 submitters: Uncertain significance (4). Last evaluated 2023-12-15.

Conditions:
Cardiovascular phenotype. Identifiers: MedGen CN230736.
Cardiac arrhythmia. Also called: Arrhythmia; Cardiac rhythm disease. Identifiers: MedGen C0003811, MONDO:0007263, HP:0011675.
Long QT syndrome (LQTS). Identifiers: MedGen C0023976, MeSH D008133, MONDO:0002442. Disease mechanism: loss of function. Inheritance: Various modes of inheritance.

gnomAD v4.1: 1 of 1,614,094 alleles (0.000062%); highest among the groups gnomAD compares: Non-Finnish European, 0.000085%; no homozygotes.

Submissions (4):

Labcorp Genetics (formerly Invitae), Labcorp
Classification: Uncertain significance for Long QT syndrome. Last evaluated: 2023-12-15. Review status: criteria provided, single submitter. Criteria: Invitae Variant Classification Sherloc (09022015). Collection method: clinical testing. Allele origin: germline.
Comment: This sequence change replaces valine, which is neutral and non-polar, with phenylalanine, which is neutral and non-polar, at codon 324 of the KCNQ1 protein (p.Val324Phe). This variant is not present in population databases (gnomAD no frequency). This variant has not been reported in the literature in individuals affected with KCNQ1-related conditions. ClinVar contains an entry for this variant (Variation ID: 924962). Advanced modeling of protein sequence and biophysical properties (such as structural, functional, and spatial information, amino acid conservation, physicochemical variation, residue mobility, and thermodynamic stability) has been performed at Invitae for this missense variant, however the output from this modeling did not meet the statistical confidence thresholds required to predict the impact of this variant on KCNQ1 protein function. In summary, the available evidence is currently insufficient to determine the role of this variant in disease. Therefore, it has been classified as a Variant of Uncertain Significance.

All of Us Research Program, National Institutes of Health
Classification: Uncertain significance for Long QT syndrome. Last evaluated: 2023-05-08. Review status: criteria provided, single submitter. Criteria: ACMG Guidelines, 2015. Collection method: clinical testing. Allele origin: germline. Inheritance: Autosomal dominant inheritance. Observed: 1 variant allele, 1 heterozygote.
Comment: This missense variant replaces valine with phenylalanine at codon 324 of the KCNQ1 protein. Computational prediction tool is inconclusive regarding the impact of this variant on protein structure and function (internally defined REVEL score threshold 0.5 < inconclusive < 0.7, PMID: 27666373). Splice site prediction tools suggest that this variant may not impact RNA splicing. To our knowledge, functional studies have not been performed for this variant. This variant has not been reported in individuals affected with cardiovascular disorders in the literature. This variant has not been identified in the general population by the Genome Aggregation Database (gnomAD). The available evidence is insufficient to determine the role of this variant in disease conclusively. Therefore, this variant is classified as a Variant of Uncertain Significance.

This study involves interpretation of variants in research participants for the purpose of population health screening. Participant phenotype was not available at the time of variant classification. Additional details can be found in publication PMID: 35346344, PMCID: PMC8962531

Ambry Genetics
Classification: Uncertain significance for Cardiovascular phenotype. Last evaluated: 2023-04-18. Review status: criteria provided, single submitter. Criteria: Ambry Variant Classification Scheme 2023. Collection method: clinical testing. Allele origin: germline.
Comment: The p.V324F variant (also known as c.970G>T), located in coding exon 7 of the KCNQ1 gene, results from a G to T substitution at nucleotide position 970. The valine at codon 324 is replaced by phenylalanine, an amino acid with highly similar properties. This amino acid position is not well conserved in available vertebrate species. In addition, this alteration is predicted to be deleterious by in silico analysis. Since supporting evidence is limited at this time, the clinical significance of this alteration remains unclear.

Color Diagnostics, LLC DBA Color Health
Classification: Uncertain significance for Cardiac arrhythmia. Last evaluated: 2019-11-25. Review status: criteria provided, single submitter. Criteria: ACMG Guidelines, 2015. Collection method: clinical testing. Allele origin: germline.
Comment: This missense variant replaces valine with phenylalanine at codon 324 of the KCNQ1 protein. Computational prediction tool is inconclusive regarding the impact of this variant on protein structure and function (internally defined REVEL score threshold 0.5 < inconclusive < 0.7, PMID: 27666373). Splice site prediction tools suggest that this variant may not impact RNA splicing. To our knowledge, functional studies have not been performed for this variant. This variant has not been reported in individuals affected with cardiovascular disorders in the literature. This variant has not been identified in the general population by the Genome Aggregation Database (gnomAD). The available evidence is insufficient to determine the role of this variant in disease conclusively. Therefore, this variant is classified as a Variant of Uncertain Significance.

NM_000218.3(KCNQ1):c.970G>T (p.Val324Phe)

Gene: KCNQ1 (potassium voltage-gated channel subfamily Q member 1; plus strand). Cytogenetic location: 11p15.5.
Variant type: single nucleotide variant.
Coding change: c.970G>T on transcript NM_000218.3 (MANE Select); coding-DNA position 970, G replaced by T.
Protein change: p.Val324Phe; replaces valine 324 with phenylalanine.
Molecular consequence: missense variant.
Genome position (GRCh38, 1-based): chr11:2,583,483, G>T. VCF-style: chr11-2583483-G-T. GRCh37 (hg19) VCF-style: chr11-2604713-G-T.
Other names: c.970G>T, p.Val324Phe (NM_001406836.1); c.700G>T, p.Val234Phe (NM_001406837.1); c.526G>T, p.Val176Phe (NM_001406838.1); c.589G>T, p.Val197Phe (NM_181798.2); short protein forms V197F, V324F, V176F, V234F.
Identifiers: ClinVar variation 924962 (VCV000924962.12), dbSNP rs1848536066, ClinGen allele CA379133022.